The following is an entry in ClinVar:

ClinVar aggregate classification (germline): Uncertain significance (1 of 4 stars; one submission).

Conditions:
Malignant hyperthermia, susceptibility to, 1 (MHS1). Also called: RYR1-Related Malignant Hyperthermia Susceptibility; Malignant hyperthermia suceptibility 1; Anesthesia related hyperthermia; Malignant hyperpyrexia; Fulminating hyperpyrexia; Pharmacogenic myopathy. Identifiers: Orphanet 423, MedGen C2930980, MONDO:0007783, OMIM 145600.

Submission:

Color Diagnostics, LLC DBA Color Health
Classification: Uncertain significance for Malignant hyperthermia, susceptibility to, 1. Last evaluated: 2025-09-29. Review status: criteria provided, single submitter. Criteria: ACMG Guidelines, 2015. Collection method: clinical testing. Allele origin: germline.
Comment: This missense variant replaces arginine with glycine at codon 2852 of the RYR1 protein. Computational prediction is inconclusive regarding the impact of this variant on protein structure and function. To our knowledge, functional studies have not been reported for this variant. This variant has not been reported in individuals affected with RYR1-related disorders in the literature. This variant has not been identified in the general population by the Genome Aggregation Database (gnomAD). The available evidence is insufficient to determine the role of this variant in disease conclusively. Therefore, this variant is classified as a Variant of Uncertain Significance.

NM_000540.3(RYR1):c.8554C>G (p.Arg2852Gly)

Genes: RYR1 (ryanodine receptor 1; plus strand), LOC126862902 (BRD4-independent group 4 enhancer GRCh37_chr19:38995830-38997029; plus strand). Cytogenetic location: 19q13.2.
Variant type: single nucleotide variant.
Coding change: c.8554C>G on transcript NM_000540.3 (MANE Select); coding-DNA position 8554, C replaced by G.
Protein change: p.Arg2852Gly; replaces arginine 2852 with glycine.
Molecular consequence: missense variant.
Genome position (GRCh38, 1-based): chr19:38,506,315, C>G. VCF-style: chr19-38506315-C-G. GRCh37 (hg19) VCF-style: chr19-38996955-C-G.
Other names: c.8554C>G, p.Arg2852Gly (NM_001042723.2); short protein forms R2852G.
Identifiers: ClinVar variation 4758083 (VCV004758083.1).